The following is an entry in ClinVar:

GRCh38/hg38 2q13(chr2:110104900-110611314)x3

Genes: LIMS4 (LIM zinc finger domain containing 4; minus strand), LINC01106 (long intergenic non-protein coding RNA 1106; minus strand), MALL (mal, T cell differentiation protein like; minus strand), MIR4436B2 (microRNA 4436b-2; plus strand), MTLN (mitoregulin; minus strand) and 8 more. Cytogenetic location: 2q13.
Variant type: copy number gain.
Change: copy number 3 (three copies instead of two) of chr2:110,104,900-110,611,314 (506.4 kb, GRCh38 coordinates, 1-based), cytogenetic band 2q13.
Identifiers: ClinVar variation 161023 (VCV000161023.1).

ClinVar aggregate classification (germline): Benign (1 of 4 stars; one submission).

Submission:

ISCA site 4
Classification: Benign. Last evaluated: 2011-08-12. Review status: criteria provided, single submitter. Criteria: Kaminsky et al. (Genet Med. 2011). Collection method: clinical testing. Allele origin: unknown. Affected: yes. Observed: 1 variant allele.
Comment: Copy number variation identified through the course of routine clinical cytogenomic testing in postnatal populations. Clinical assertions have been curated as described in Kaminsky et al. 2011.